The following is an entry in ClinVar:

ClinVar aggregate classification (germline): Uncertain significance (1 of 4 stars; one submission).

Submission:

Labcorp Genetics (formerly Invitae), Labcorp
Classification: Uncertain significance. Last evaluated: 2024-02-22. Review status: criteria provided, single submitter. Criteria: Invitae Variant Classification Sherloc (09022015). Collection method: clinical testing. Allele origin: germline.
Comment: This sequence change replaces asparagine, which is neutral and polar, with histidine, which is basic and polar, at codon 1758 of the TCF20 protein (p.Asn1758His). This variant is not present in population databases (gnomAD no frequency). This variant has not been reported in the literature in individuals affected with TCF20-related conditions. An algorithm developed to predict the effect of missense changes on protein structure and function (PolyPhen-2) suggests that this variant is likely to be disruptive. In summary, the available evidence is currently insufficient to determine the role of this variant in disease. Therefore, it has been classified as a Variant of Uncertain Significance.

NM_001378418.1(TCF20):c.5272A>C (p.Asn1758His)

Gene: TCF20 (transcription factor 20; minus strand). Cytogenetic location: 22q13.2.
Variant type: single nucleotide variant.
Coding change: c.5272A>C on transcript NM_001378418.1 (MANE Select); coding-DNA position 5272, A replaced by C.
Protein change: p.Asn1758His; replaces asparagine 1758 with histidine.
Molecular consequence: missense variant.
Genome position (GRCh38, 1-based): chr22:42,210,034, T>G on the plus strand (A>C on the coding strand, the complement: TCF20 is on the minus strand). VCF-style: chr22-42210034-T-G. GRCh37 (hg19) VCF-style: chr22-42606040-T-G.
Other names: c.5272A>C, p.Asn1758His (NM_005650.4, NM_181492.3); short protein forms N1758H.
Identifiers: ClinVar variation 3638258 (VCV003638258.2).
Genomic context (GRCh38, chr22:42,210,034, plus strand): 5'-TCTGCTCCTTCTGCTGCTGCTGCTGCTCTTCCTCCTCCTCAGTGTCCGTCTTGGAGCCAT[T>G]AGAAGCACTTTTGTGCCGTACCTTAACTTTGCTCTGCATTTCTGTGGCCCTCTTAGGAGG-3'
Protein context (NP_001365347.1, residues 1748-1768): KVKVRHKSAS[Asn1758His]GSKTDTEEEE